The following is an entry in ClinVar:

NM_203447.4(DOCK8):c.3530G>T (p.Gly1177Val)

Gene: DOCK8 (dedicator of cytokinesis 8; plus strand). Cytogenetic location: 9p24.3.
Variant type: single nucleotide variant.
Coding change: c.3530G>T on transcript NM_203447.4 (MANE Select); coding-DNA position 3530, G replaced by T.
Protein change: p.Gly1177Val; replaces glycine 1177 with valine.
Molecular consequence: missense variant.
Genome position (GRCh38, 1-based): chr9:407,069, G>T. VCF-style: chr9-407069-G-T. GRCh37 (hg19) VCF-style: chr9-407069-G-T.
Other names: c.3230G>T, p.Gly1077Val (NM_001190458.2); c.3326G>T, p.Gly1109Val (NM_001193536.2); short protein forms G1077V, G1109V, G1177V.
Identifiers: ClinVar variation 1004323 (VCV001004323.7), dbSNP rs117350404, ClinGen allele CA4958709.

ClinVar aggregate classification (germline): Uncertain significance (1 of 4 stars; one submission).

Conditions:
Combined immunodeficiency due to DOCK8 deficiency (HIES2). Also called: HIES autosomal recessive; Hyper-IgE recurrent infection syndrome, autosomal recessive; DOCK8 Deficiency; HYPER-IgE RECURRENT INFECTION SYNDROME 2, AUTOSOMAL RECESSIVE; HYPER-IgE SYNDROME 2, AUTOSOMAL RECESSIVE, WITH RECURRENT INFECTIONS. Identifiers: Orphanet 217390, MedGen C4722305, MONDO:0009478, OMIM 243700.

Allele frequency attached by ClinVar (database versions not stated): ExAC 0.00001; gnomAD exomes 0.00001; TOPMed 0.00003; 1000 Genomes Project 30x 0.00016; 1000 Genomes Project 0.00020.
gnomAD v4.1: 2 of 1,613,954 alleles (0.00012%); highest among the groups gnomAD compares: East Asian, 0.0022%; no homozygotes.

Submission:

Labcorp Genetics (formerly Invitae), Labcorp
Classification: Uncertain significance for Combined immunodeficiency due to DOCK8 deficiency. Last evaluated: 2021-10-13. Review status: criteria provided, single submitter. Criteria: Invitae Variant Classification Sherloc (09022015). Collection method: clinical testing. Allele origin: germline.
Comment: In summary, the available evidence is currently insufficient to determine the role of this variant in disease. Therefore, it has been classified as a Variant of Uncertain Significance. Variants that disrupt the consensus splice site are a relatively common cause of aberrant splicing (PMID: 17576681, 9536098). Algorithms developed to predict the effect of sequence changes on RNA splicing suggest that this variant may disrupt the consensus splice site. Algorithms developed to predict the effect of missense changes on protein structure and function are either unavailable or do not agree on the potential impact of this missense change (SIFT: "Deleterious"; PolyPhen-2: "Probably Damaging"; Align-GVGD: "Class C0"). This variant has not been reported in the literature in individuals affected with DOCK8-related conditions. This variant is present in population databases (rs117350404, ExAC 0.01%). This sequence change replaces glycine with valine at codon 1177 of the DOCK8 protein (p.Gly1177Val). The glycine residue is highly conserved and there is a moderate physicochemical difference between glycine and valine. This variant also falls at the last nucleotide of exon 28, which is part of the consensus splice site for this exon.

Literature cited by the submitters: PubMed 17576681; PubMed 9536098.